The following is an entry in ClinVar:

ClinVar aggregate classification (germline): Uncertain significance. Review status: criteria provided, multiple submitters, no conflicts (2 of 4 stars). 2 submissions from 2 submitters: Uncertain significance (2). Last evaluated 2022-10-28.

Conditions:
GM3 synthase deficiency (SPDRS). Also called: SALT AND PEPPER DEVELOPMENTAL REGRESSION SYNDROME; SALT AND PEPPER MENTAL RETARDATION SYNDROME; AMISH INFANTILE EPILEPSY SYNDROME. Identifiers: Orphanet 171714, Orphanet 370933, MedGen C1836824, MONDO:0018274, OMIM 609056.
Inborn genetic diseases. Identifiers: MedGen C0950123, MeSH D030342.

Allele frequency attached by ClinVar (database versions not stated): gnomAD exomes below 0.00001; TOPMed below 0.00001.
gnomAD v4.1: 5 of 1,614,152 alleles (0.00031%); highest among the groups gnomAD compares: Non-Finnish European, 0.00042%; no homozygotes.

Submissions (2):

Labcorp Genetics (formerly Invitae), Labcorp
Classification: Uncertain significance for GM3 synthase deficiency. Last evaluated: 2022-10-28. Review status: criteria provided, single submitter. Criteria: Invitae Variant Classification Sherloc (09022015). Collection method: clinical testing. Allele origin: germline.
Comment: This sequence change replaces methionine, which is neutral and non-polar, with isoleucine, which is neutral and non-polar, at codon 388 of the ST3GAL5 protein (p.Met388Ile). This variant is not present in population databases (gnomAD no frequency). This variant has not been reported in the literature in individuals affected with ST3GAL5-related conditions. ClinVar contains an entry for this variant (Variation ID: 954697). Advanced modeling of protein sequence and biophysical properties (such as structural, functional, and spatial information, amino acid conservation, physicochemical variation, residue mobility, and thermodynamic stability) has been performed at Invitae for this missense variant, however the output from this modeling did not meet the statistical confidence thresholds required to predict the impact of this variant on ST3GAL5 protein function. In summary, the available evidence is currently insufficient to determine the role of this variant in disease. Therefore, it has been classified as a Variant of Uncertain Significance.

Ambry Genetics
Classification: Uncertain significance for Inborn genetic diseases. Last evaluated: 2021-12-30. Review status: criteria provided, single submitter. Criteria: Ambry Variant Classification Scheme 2023. Collection method: clinical testing. Allele origin: germline.

NM_003896.4(ST3GAL5):c.1164G>A (p.Met388Ile)

Gene: ST3GAL5 (ST3 beta-galactoside alpha-2,3-sialyltransferase 5; minus strand). Cytogenetic location: 2p11.2.
Variant type: single nucleotide variant.
Coding change: c.1164G>A on transcript NM_003896.4 (MANE Select); coding-DNA position 1164, G replaced by A.
Protein change: p.Met388Ile; replaces methionine 388 with isoleucine.
Molecular consequence: missense variant.
Genome position (GRCh38, 1-based): chr2:85,840,237, C>T on the plus strand (G>A on the coding strand, the complement: ST3GAL5 is on the minus strand). VCF-style: chr2-85840237-C-T. GRCh37 (hg19) VCF-style: chr2-86067360-C-T.
Other names: c.780G>A, p.Met260Ile (NM_001354248.1, NM_001354223.2, NM_001354233.2 and 3 more transcripts); c.1005G>A, p.Met335Ile (NM_001363847.1); c.1095G>A, p.Met365Ile (NM_001042437.2); c.1080G>A, p.Met360Ile (NM_001354229.2, NM_001354238.1, NM_001354227.2); c.441G>A, p.Met147Ile (NM_001354247.1); short protein forms M147I, M335I, M365I, M260I, M360I, M388I.
Identifiers: ClinVar variation 954697 (VCV000954697.8), dbSNP rs950472318, ClinGen allele CA51776028.